The following is an entry in ClinVar:

ClinVar aggregate classification (germline): Uncertain significance (1 of 4 stars; one submission).

Allele frequency attached by ClinVar (database versions not stated): TOPMed below 0.00001; gnomAD 0.00001.
gnomAD v4.1: 2 of 1,614,054 alleles (0.00012%); highest among the groups gnomAD compares: Non-Finnish European, 0.00017%; no homozygotes.

Submission:

Labcorp Genetics (formerly Invitae), Labcorp
Classification: Uncertain significance. Last evaluated: 2025-08-29. Review status: criteria provided, single submitter. Criteria: Invitae Variant Classification Sherloc (09022015). Collection method: clinical testing. Allele origin: germline.
Comment: This sequence change replaces glutamic acid, which is acidic and polar, with aspartic acid, which is acidic and polar, at codon 1165 of the KMT2A protein (p.Glu1165Asp). This variant is not present in population databases (gnomAD no frequency). This variant has not been reported in the literature in individuals affected with KMT2A-related conditions. ClinVar contains an entry for this variant (Variation ID: 1383288). Invitae Evidence Modeling of protein sequence and biophysical properties (such as structural, functional, and spatial information, amino acid conservation, physicochemical variation, residue mobility, and thermodynamic stability) indicates that this missense variant is not expected to disrupt KMT2A protein function with a negative predictive value of 95%. In summary, the available evidence is currently insufficient to determine the role of this variant in disease. Therefore, it has been classified as a Variant of Uncertain Significance.

NM_001197104.2(KMT2A):c.3495G>T (p.Glu1165Asp)

Gene: KMT2A (lysine methyltransferase 2A; plus strand). Cytogenetic location: 11q23.3.
Variant type: single nucleotide variant.
Coding change: c.3495G>T on transcript NM_001197104.2 (MANE Select); coding-DNA position 3495, G replaced by T.
Protein change: p.Glu1165Asp; replaces glutamic acid 1165 with aspartic acid.
Molecular consequence: missense variant.
Genome position (GRCh38, 1-based): chr11:118,478,127, G>T. VCF-style: chr11-118478127-G-T. GRCh37 (hg19) VCF-style: chr11-118348842-G-T.
Other names: c.3495G>T, p.Glu1165Asp (NM_005933.4); short protein forms E1165D.
Identifiers: ClinVar variation 1383288 (VCV001383288.6), dbSNP rs1362803373, ClinGen allele CA382824932.